The following is an entry in ClinVar:

ClinVar aggregate classification (germline): Uncertain significance (1 of 4 stars; one submission).

Allele frequency attached by ClinVar (database versions not stated): gnomAD exomes below 0.00001.
gnomAD v4.1: 1 of 1,613,906 alleles (0.000062%); highest among the groups gnomAD compares: Non-Finnish European, 0.000085%; no homozygotes.

Submission:

Ambry Genetics
Classification: Uncertain significance. Last evaluated: 2022-10-02. Review status: criteria provided, single submitter. Criteria: Ambry Variant Classification Scheme 2023. Collection method: clinical testing. Allele origin: germline.
Comment: The p.K3825E variant (also known as c.11473A>G), located in coding exon 80 of the PRKDC gene, results from an A to G substitution at nucleotide position 11473. The lysine at codon 3825 is replaced by glutamic acid, an amino acid with similar properties. This amino acid position is conserved. In addition, this alteration is predicted to be tolerated by in silico analysis. Since supporting evidence is limited at this time, the clinical significance of this alteration remains unclear.

NM_006904.7(PRKDC):c.11473A>G (p.Lys3825Glu)

Gene: PRKDC (protein kinase, DNA-activated, catalytic subunit; minus strand). Cytogenetic location: 8q11.21.
Variant type: single nucleotide variant.
Coding change: c.11473A>G on transcript NM_006904.7 (MANE Select); coding-DNA position 11473, A replaced by G.
Protein change: p.Lys3825Glu; replaces lysine 3825 with glutamic acid.
Molecular consequence: missense variant. On other transcripts: intron variant (1).
Genome position (GRCh38, 1-based): chr8:47,782,178, T>C on the plus strand (A>G on the coding strand, the complement: PRKDC is on the minus strand). VCF-style: chr8-47782178-T-C. GRCh37 (hg19) VCF-style: chr8-48694739-T-C.
Other names: c.11396+200A>G (NM_001081640.2); short protein forms K3825E.
Identifiers: ClinVar variation 1732776 (VCV001732776.2), dbSNP rs2551860336, ClinGen allele CA371129507.
Genomic context (GRCh38, chr8:47,782,178, plus strand): 5'-GGGGAGGCGACTGCTGGGGGAGCAGGGCGTGTGGCCGCCCTTACCTCAGGTAAGCCGCCT[T>C]CTCCTCTTGGGACATGGTGTTCAAAAGAAGGTCCTTCAAGGTAACAGTATTTTCAAGCCA-3'
Protein context (NP_008835.5, residues 3815-3835): LLLNTMSQEE[Lys3825Glu]AAYLSDPRAP